The following is an entry in ClinVar:

NM_020778.5(ALPK3):c.133C>T (p.Pro45Ser)

Gene: ALPK3 (alpha kinase 3; plus strand). Cytogenetic location: 15q25.3.
Variant type: single nucleotide variant.
Coding change: c.133C>T on transcript NM_020778.5 (MANE Select); coding-DNA position 133, C replaced by T.
Protein change: p.Pro45Ser; replaces proline 45 with serine.
Molecular consequence: missense variant.
Genome position (GRCh38, 1-based): chr15:84,817,585, C>T. VCF-style: chr15-84817585-C-T. GRCh37 (hg19) VCF-style: chr15-85360816-C-T.
Other names: short protein forms P247S, P45S.
Identifiers: ClinVar variation 429231 (VCV000429231.8), dbSNP rs941969303, ClinGen allele CA273651194.

ClinVar aggregate classification (germline): Uncertain significance. Review status: criteria provided, multiple submitters, no conflicts (2 of 4 stars). 3 submissions from 3 submitters: Uncertain significance (3). Last evaluated 2025-10-13.

Conditions:
Cardiovascular phenotype. Identifiers: MedGen CN230736.

Allele frequency attached by ClinVar (database versions not stated): gnomAD exomes 0.00001; gnomAD 0.00005 and 0.00006; TOPMed 0.00008.

Submissions (3):

Labcorp Genetics (formerly Invitae), Labcorp
Classification: Uncertain significance. Last evaluated: 2025-10-13. Review status: criteria provided, single submitter. Criteria: Invitae Variant Classification Sherloc (09022015). Collection method: clinical testing. Allele origin: germline.
Comment: This sequence change replaces proline, which is neutral and non-polar, with serine, which is neutral and polar, at codon 247 of the ALPK3 protein (p.Pro247Ser). The frequency data for this variant in the population databases is considered unreliable, as metrics indicate poor data quality at this position in the gnomAD database. This variant has not been reported in the literature in individuals affected with ALPK3-related conditions. ClinVar contains an entry for this variant (Variation ID: 429231). An algorithm developed to predict the effect of missense changes on protein structure and function (PolyPhen-2) suggests that this variant is likely to be disruptive. In summary, the available evidence is currently insufficient to determine the role of this variant in disease. Therefore, it has been classified as a Variant of Uncertain Significance.

Ambry Genetics
Classification: Uncertain significance for Cardiovascular phenotype. Last evaluated: 2025-06-07. Review status: criteria provided, single submitter. Criteria: Ambry Variant Classification Scheme 2023. Collection method: clinical testing. Allele origin: germline.
Comment: The p.P247S variant (also known as c.739C>T), located in coding exon 1 of the ALPK3 gene, results from a C to T substitution at nucleotide position 739. The proline at codon 247 is replaced by serine, an amino acid with similar properties. This amino acid position is conserved. In addition, this alteration is predicted to be tolerated by in silico analysis. Based on the available evidence, the clinical significance of this variant remains unclear.

GeneDx
Classification: Uncertain significance. Last evaluated: 2017-05-03. Review status: criteria provided, single submitter. Criteria: GeneDx Variant Classification (06012015). Collection method: clinical testing. Allele origin: germline. Affected: yes.
Comment: A variant of uncertain significance has been identified in the ALPK3 gene. The P247S variant has not been published as pathogenic or been reported as benign to our knowledge. The P247S variant is a non-conservative amino acid substitution, which is likely to impact secondary protein structure as these residues differ in polarity, charge, size and/or other properties. This substitution occurs at a position that is conserved across species and in silico analysis predicts this variant is probably damaging to the protein structure/function. Nevertheless, data from control individuals were not sufficient to assess whether P247S may be a common benign variant in the general population.